The following is an entry in ClinVar:

ClinVar aggregate classification (germline): Pathogenic. Review status: criteria provided, multiple submitters, no conflicts (2 of 4 stars). 2 submissions from 2 submitters: Pathogenic (2). Last evaluated 2022-04-19.

Submissions (2):

Labcorp Genetics (formerly Invitae), Labcorp
Classification: Pathogenic. Last evaluated: 2022-04-19. Review status: criteria provided, single submitter. Criteria: Invitae Variant Classification Sherloc (09022015). Collection method: clinical testing. Allele origin: germline.
Comment: For these reasons, this variant has been classified as Pathogenic. ClinVar contains an entry for this variant (Variation ID: 973828). This variant has not been reported in the literature in individuals affected with NEMF-related conditions. This variant is present in population databases (rs767212051, gnomAD 0.002%). This sequence change creates a premature translational stop signal (p.Lys923Argfs*27) in the NEMF gene. It is expected to result in an absent or disrupted protein product. Loss-of-function variants in NEMF are known to be pathogenic (PMID: 27431290, 32934225).

GeneDx
Classification: Pathogenic. Last evaluated: 2020-07-12. Review status: criteria provided, single submitter. Criteria: GeneDx Variant Classification (06012015). Collection method: clinical testing. Allele origin: germline. Affected: yes.
Comment: Observed in compound heterozygous state in internal GeneDx whole exome sequencing data in association with global developmental delay, hypotonia, and abnormal brain imaging. Frameshift variant predicted to result in protein truncation or nonsense mediated decay in a gene for which loss-of-function is a known mechanism of disease. Not observed at a significant frequency in large population cohorts (Lek et al., 2016). We interpret c.2768delA as a pathogenic variant.

Literature cited by the submitters: PubMed 27431290 (cited by Labcorp Genetics (formerly Invitae), Labcorp); PubMed 32934225 (cited by Labcorp Genetics (formerly Invitae), Labcorp).

NM_004713.6(NEMF):c.2768del (p.Lys923fs)

Gene: NEMF (nuclear export mediator factor; minus strand). Cytogenetic location: 14q21.3.
Variant type: Deletion.
Coding change: c.2768del on transcript NM_004713.6 (MANE Select); coding-DNA position 2768, one base deleted (A; older notation c.2768delA).
Protein change: p.Lys923fs; shifts the reading frame from lysine 923.
Molecular consequence: frameshift variant.
Genome position (GRCh38, 1-based): chr14:49,789,273, T deleted on the plus strand (A on the coding strand, the reverse complement: NEMF is on the minus strand); the first of 2 consecutive T bases (chr14:49,789,273-49,789,274); deleting either gives the same sequence. VCF-style (leftmost placement, unchanged base first): chr14-49789272-CT-C. GRCh37 (hg19) VCF-style: chr14-50255990-CT-C.
Other names: c.2705del, p.Lys902fs (NM_001301732.3); short protein forms K902fs, K923fs.
Identifiers: ClinVar variation 973828 (VCV000973828.6), dbSNP rs767212051, ClinGen allele CA7174830.